The following is an entry in ClinVar:

NM_032888.4(COL27A1):c.1345_1346delinsAA (p.Ser449Asn)

Gene: COL27A1 (collagen type XXVII alpha 1 chain; plus strand). Cytogenetic location: 9q32.
Variant type: Indel.
Coding change: c.1345_1346delinsAA on transcript NM_032888.4 (MANE Select); coding-DNA positions 1345 to 1346, TC replaced by AA.
Protein change: p.Ser449Asn; replaces serine 449 with asparagine.
Molecular consequence: missense variant.
Genome position (GRCh38, 1-based): chr9:114,168,900-114,168,901, TC replaced by AA. VCF-style: chr9-114168900-TC-AA. GRCh37 (hg19) VCF-style: chr9-116931180-TC-AA.
Other names: short protein forms S449N.
Identifiers: ClinVar variation 1387626 (VCV001387626.6), dbSNP rs2135082816, ClinGen allele CA2573143806.

ClinVar aggregate classification (germline): Uncertain significance (1 of 4 stars; one submission).

Submission:

Labcorp Genetics (formerly Invitae), Labcorp
Classification: Uncertain significance. Last evaluated: 2021-04-14. Review status: criteria provided, single submitter. Criteria: Invitae Variant Classification Sherloc (09022015). Collection method: clinical testing. Allele origin: germline.
Comment: In summary, the available evidence is currently insufficient to determine the role of this variant in disease. Therefore, it has been classified as a Variant of Uncertain Significance. Experimental studies and prediction algorithms are not available or were not evaluated, and the functional significance of this variant is currently unknown. This variant has not been reported in the literature in individuals with COL27A1-related conditions. The frequency data for this variant in the population databases is not available, as this variant may be reported as separate entries in the ExAC database. This sequence change replaces serine with asparagine at codon 449 of the COL27A1 protein (p.Ser449Asn). The serine residue is weakly conserved and there is a small physicochemical difference between serine and asparagine.